The following is an entry in ClinVar:

NM_001197104.2(KMT2A):c.5256A>C (p.Lys1752Asn)

Gene: KMT2A (lysine methyltransferase 2A; plus strand). Cytogenetic location: 11q23.3.
Variant type: single nucleotide variant.
Coding change: c.5256A>C on transcript NM_001197104.2 (MANE Select); coding-DNA position 5256, A replaced by C.
Protein change: p.Lys1752Asn; replaces lysine 1752 with asparagine.
Molecular consequence: missense variant.
Genome position (GRCh38, 1-based): chr11:118,494,365, A>C. VCF-style: chr11-118494365-A-C. GRCh37 (hg19) VCF-style: chr11-118365080-A-C.
Other names: c.5247A>C, p.Lys1749Asn (NM_005933.4); short protein forms K1749N, K1752N.
Identifiers: ClinVar variation 1334747 (VCV001334747.9), dbSNP rs1555043352, ClinGen allele CA382837632.
Genomic context (GRCh38, chr11:118,494,365, plus strand): 5'-TATTGTGAAGATCATTCAAGCAGCCATTAATTCAGATGGAGGACAGCCAGAAATTAAAAA[A>C]GCCAACAGCATGGTCAAGTCCTTCTTCATTCGGGTGAATGATATTACTAATTCATGTTTT-3'
Protein context (NP_001184033.1, residues 1742-1762): NSDGGQPEIK[Lys1752Asn]ANSMVKSFFI

ClinVar aggregate classification (germline): Uncertain significance. Review status: criteria provided, multiple submitters, no conflicts (2 of 4 stars). 3 submissions from 3 submitters: Uncertain significance (3). Last evaluated 2023-01-05.

Conditions:
Inborn genetic diseases. Identifiers: MedGen C0950123, MeSH D030342.

Allele frequency attached by ClinVar (database versions not stated): TOPMed below 0.00001; gnomAD 0.00001.
gnomAD v4.1: 1 of 1,604,752 alleles (0.000062%); highest among the groups gnomAD compares: Non-Finnish European, 0.000085%; no homozygotes.

Submissions (3):

Labcorp Genetics (formerly Invitae), Labcorp
Classification: Uncertain significance. Last evaluated: 2023-01-05. Review status: criteria provided, single submitter. Criteria: Invitae Variant Classification Sherloc (09022015). Collection method: clinical testing. Allele origin: germline.
Comment: This sequence change replaces lysine, which is basic and polar, with asparagine, which is neutral and polar, at codon 1752 of the KMT2A protein (p.Lys1752Asn). This variant is not present in population databases (gnomAD no frequency). This variant has not been reported in the literature in individuals affected with KMT2A-related conditions. ClinVar contains an entry for this variant (Variation ID: 1334747). Advanced modeling of protein sequence and biophysical properties (such as structural, functional, and spatial information, amino acid conservation, physicochemical variation, residue mobility, and thermodynamic stability) performed at Invitae indicates that this missense variant is not expected to disrupt KMT2A protein function. In summary, the available evidence is currently insufficient to determine the role of this variant in disease. Therefore, it has been classified as a Variant of Uncertain Significance.

Greenwood Genetic Center Diagnostic Laboratories, Greenwood Genetic Center
Classification: Uncertain significance. Last evaluated: 2021-05-06. Review status: criteria provided, single submitter. Criteria: ACMG Guidelines, 2015. Collection method: clinical testing. Allele origin: germline. Affected: yes.
Comment: PP2, PP3, PM2

Ambry Genetics
Classification: Uncertain significance for Inborn genetic diseases. Last evaluated: 2021-04-28. Review status: criteria provided, single submitter. Criteria: Ambry Variant Classification Scheme 2023. Collection method: clinical testing. Allele origin: germline.